The following is an entry in ClinVar:

ClinVar aggregate classification (germline): Uncertain significance (1 of 4 stars; one submission).

Allele frequency attached by ClinVar (database versions not stated): gnomAD 0.00001.
gnomAD v4.1: 6 of 1,613,786 alleles (0.00037%); highest among the groups gnomAD compares: South Asian, 0.0044%; no homozygotes.

Submission:

Labcorp Genetics (formerly Invitae), Labcorp
Classification: Uncertain significance. Last evaluated: 2022-06-27. Review status: criteria provided, single submitter. Criteria: Invitae Variant Classification Sherloc (09022015). Collection method: clinical testing. Allele origin: germline.
Comment: Algorithms developed to predict the effect of missense changes on protein structure and function output the following: SIFT: "Tolerated"; PolyPhen-2: "Benign"; Align-GVGD: "Class C0". The isoleucine amino acid residue is found in multiple mammalian species, which suggests that this missense change does not adversely affect protein function. In summary, the available evidence is currently insufficient to determine the role of this variant in disease. Therefore, it has been classified as a Variant of Uncertain Significance. This variant has not been reported in the literature in individuals affected with AQP5-related conditions. This variant is not present in population databases (gnomAD no frequency). This sequence change replaces threonine, which is neutral and polar, with isoleucine, which is neutral and non-polar, at codon 155 of the AQP5 protein (p.Thr155Ile).

NM_001651.4(AQP5):c.464C>T (p.Thr155Ile)

Gene: AQP5 (aquaporin 5; plus strand). Cytogenetic location: 12q13.12.
Variant type: single nucleotide variant.
Coding change: c.464C>T on transcript NM_001651.4 (MANE Select); coding-DNA position 464, C replaced by T.
Protein change: p.Thr155Ile; replaces threonine 155 with isoleucine.
Molecular consequence: missense variant.
Genome position (GRCh38, 1-based): chr12:49,963,592, C>T. VCF-style: chr12-49963592-C-T. GRCh37 (hg19) VCF-style: chr12-50357375-C-T.
Other names: short protein forms T155I.
Identifiers: ClinVar variation 1390607 (VCV001390607.6), dbSNP rs753119460, ClinGen allele CA384769937.
Genomic context (GRCh38, chr12:49,963,592, plus strand): 5'-AGCTGATTCTGACCTTCCAGCTGGCACTCTGCATCTTCGCCTCCACTGACTCCCGCCGCA[C>T]CAGCCCTGTGGGCTCCCCAGCCCTGTCCATTGGCCTGTCTGTCACCCTGGGCCACCTTGT-3'
Protein context (NP_001642.1, residues 145-165): CIFASTDSRR[Thr155Ile]SPVGSPALSI